The following is an entry in ClinVar:

NM_138295.5(PKD1L1):c.1506C>T (p.Val502=)

Gene: PKD1L1 (polycystin 1 like 1, transient receptor potential channel interacting; minus strand). Cytogenetic location: 7p12.3.
Variant type: single nucleotide variant.
Coding change: c.1506C>T on transcript NM_138295.5 (MANE Select); coding-DNA position 1506, C replaced by T.
Protein change: p.Val502=; no amino-acid change (valine 502 retained).
Molecular consequence: synonymous variant.
Genome position (GRCh38, 1-based): chr7:47,905,859, G>A on the plus strand (C>T on the coding strand, the complement: PKD1L1 is on the minus strand). VCF-style: chr7-47905859-G-A. GRCh37 (hg19) VCF-style: chr7-47945456-G-A.
Identifiers: ClinVar variation 3050027 (VCV003050027.2), dbSNP rs1195588495, ClinGen allele CA454916694.
Genomic context (GRCh38, chr7:47,905,859, plus strand): 5'-CGAGGGAGGTTTTTGTTAAATCTGGAATTAAAACAAAGACATACATTGCATCTTATACCA[G>A]ACAGTCATGCTGTGCCAAGCCTGGCTGTCACCCACTTGAGTCTGAGAAATAAAGGACACG-3'
Protein context (NP_612152.1, residues 492-512): GDSQAWHSMT[Val502=]WYKMQSVSVY

ClinVar aggregate classification (germline): Likely benign (0 of 4 stars; one submission).

Conditions:
PKD1L1-related disorder. Also called: PKD1L1-related condition.

Allele frequency attached by ClinVar (database versions not stated): gnomAD exomes below 0.00001; gnomAD 0.00001; TOPMed 0.00002.
gnomAD v4.1: 4 of 1,612,882 alleles (0.00025%); highest among the groups gnomAD compares: African/African-American, 0.0053%; no homozygotes.

Submission:

PreventionGenetics, part of Exact Sciences
Classification: Likely benign for PKD1L1-related condition. Last evaluated: 2022-04-27. Review status: no assertion criteria provided. Collection method: clinical testing. Allele origin: germline.
Comment: This variant is classified as likely benign based on ACMG/AMP sequence variant interpretation guidelines (Richards et al. 2015 PMID: 25741868, with internal and published modifications).